The following is an entry in ClinVar:

ClinVar aggregate classification (germline): Uncertain significance. Review status: criteria provided, multiple submitters, no conflicts (2 of 4 stars). 2 submissions from 2 submitters: Uncertain significance (2). Last evaluated 2024-03-22.

Conditions:
Hereditary cancer-predisposing syndrome. Also called: Hereditary Cancer Syndrome; Neoplastic Syndromes, Hereditary; Tumor predisposition; Hereditary neoplastic syndrome. Identifiers: Orphanet 140162, MedGen C0027672, MeSH D009386, MONDO:0015356.

Submissions (2):

Labcorp Genetics (formerly Invitae), Labcorp
Classification: Uncertain significance. Last evaluated: 2024-03-22. Review status: criteria provided, single submitter. Criteria: Invitae Variant Classification Sherloc (09022015). Collection method: clinical testing. Allele origin: germline.
Comment: This sequence change replaces glycine, which is neutral and non-polar, with arginine, which is basic and polar, at codon 68 of the HOXB13 protein (p.Gly68Arg). This variant is not present in population databases (gnomAD no frequency). This variant has not been reported in the literature in individuals affected with HOXB13-related conditions. ClinVar contains an entry for this variant (Variation ID: 1024454). Advanced modeling of protein sequence and biophysical properties (such as structural, functional, and spatial information, amino acid conservation, physicochemical variation, residue mobility, and thermodynamic stability) performed at Invitae indicates that this missense variant is not expected to disrupt HOXB13 protein function with a negative predictive value of 80%. In summary, the available evidence is currently insufficient to determine the role of this variant in disease. Therefore, it has been classified as a Variant of Uncertain Significance.

Ambry Genetics
Classification: Uncertain significance for Hereditary cancer-predisposing syndrome. Last evaluated: 2023-06-26. Review status: criteria provided, single submitter. Criteria: Ambry Variant Classification Scheme 2023. Collection method: clinical testing. Allele origin: germline.
Comment: The p.G68R variant (also known as c.202G>C), located in coding exon 1 of the HOXB13 gene, results from a G to C substitution at nucleotide position 202. The glycine at codon 68 is replaced by arginine, an amino acid with dissimilar properties. This amino acid position is conserved. In addition, this alteration is predicted to be tolerated by in silico analysis. Since supporting evidence is limited at this time, the clinical significance of this alteration remains unclear.

NM_006361.6(HOXB13):c.202G>C (p.Gly68Arg)

Gene: HOXB13 (homeobox B13; minus strand). Cytogenetic location: 17q21.32.
Variant type: single nucleotide variant.
Coding change: c.202G>C on transcript NM_006361.6 (MANE Select); coding-DNA position 202, G replaced by C.
Protein change: p.Gly68Arg; replaces glycine 68 with arginine.
Molecular consequence: missense variant.
Genome position (GRCh38, 1-based): chr17:48,728,392, C>G on the plus strand (G>C on the coding strand, the complement: HOXB13 is on the minus strand). VCF-style: chr17-48728392-C-G. GRCh37 (hg19) VCF-style: chr17-46805754-C-G.
Other names: c.202G>C (NM_006361.5); short protein forms G68R.
Identifiers: ClinVar variation 1024454 (VCV001024454.10), dbSNP rs2038238548, ClinGen allele CA400107931.